The following is an entry in ClinVar:

NM_018136.5(ASPM):c.4728_4729del (p.Arg1576fs)

Gene: ASPM (assembly factor for spindle microtubules; minus strand). Cytogenetic location: 1q31.3.
Variant type: Microsatellite.
Coding change: c.4728_4729del on transcript NM_018136.5 (MANE Select); coding-DNA positions 4728 to 4729, 2 bases deleted (AG; older notation c.4728_4729delAG).
Protein change: p.Arg1576fs; shifts the reading frame from arginine 1576.
Molecular consequence: frameshift variant. On other transcripts: intron variant (1).
Genome position (GRCh38, 1-based): chr1:197,104,522-197,104,523, CT deleted on the plus strand (AG on the coding strand, the reverse complement: ASPM is on the minus strand); deleting any 2 consecutive bases within chr1:197,104,522-197,104,525 gives the same sequence; the c. name uses the placement nearest the transcript's 3' end. VCF-style (leftmost placement, unchanged base first): chr1-197104521-ACT-A. GRCh37 (hg19) VCF-style: chr1-197073651-ACT-A.
Other names: c.4066-8359_4066-8358del (NM_001206846.2); short protein forms R1576fs.
Identifiers: ClinVar variation 157824 (VCV000157824.23), dbSNP rs587783245, ClinGen allele CA271046.
Genomic context (GRCh38, chr1:197,104,521, plus strand): 5'-TGATGTTTTCTTACATGTGCCTGAAATTTGATAATAGTCTTCTTAAGGTTTAAAAATCGA[ACT>A]CTGTCTTGTCTCATTCTCCAGTATGACTGAATAACACAAGCAGCTCTAATTTGTCTACAT-3'

ClinVar aggregate classification (germline): Pathogenic/Likely pathogenic. Review status: criteria provided, multiple submitters, no conflicts (2 of 4 stars). 7 submissions from 7 submitters: Pathogenic (6); Likely pathogenic (1). Last evaluated 2025-06-18.

Conditions:
Microcephaly 5, primary, autosomal recessive (MCPH5). Also called: ASPM Primary Microcephaly. Identifiers: Orphanet 2512, MedGen C1837501, MONDO:0012106, OMIM 608716.

Submissions (7):

3billion
Classification: Pathogenic for Microcephaly 5, primary, autosomal recessive. Last evaluated: 2025-06-18. Review status: criteria provided, single submitter. Criteria: ACMG Guidelines, 2015. Collection method: clinical testing. Allele origin: germline. Affected: yes.
Comment: The variant is observed at an extremely low frequency in the gnomAD v4.1.0 dataset (total allele frequency: <0.001%). Predicted Consequence/Location: Frameshift: predicted to result in a loss or disruption of normal protein function through nonsense-mediated decay (NMD) or protein truncation. Multiple pathogenic variants are reported downstream of the variant. The variant has been reported at least twice as pathogenic with clinical assertions and evidence for the classification (ClinVar ID: VCV000157824 /PMID: 23611254). Therefore, this variant is classified as Pathogenic according to the recommendation of ACMG/AMP guideline.

Variantyx, Inc.
Classification: Likely pathogenic for Microcephaly 5, primary, autosomal recessive. Last evaluated: 2025-05-06. Review status: criteria provided, single submitter. Criteria: Variantyx Assertion Criteria 2022. Collection method: clinical testing. Allele origin: germline. Inheritance: Autosomal recessive inheritance. Affected: no.
Comment: This is a frameshift variant in the ASPM gene (OMIM: 605481). Pathogenic variants in this gene have been associated with autosomal recessive primary microcephaly 5. This variant introduces a premature termination codon in exon 18 out of 28 and it is expected to result in loss of function, which is a known disease mechanism for ASPM in this disorder (PMID: 19028728, 23611254) (PVS1). This variant has a 0.0045% maximum allele frequency in non-founder control populations (PM2_Supporting). Based on the current evidence, this variant is classified as likely pathogenic for autosomal recessive primary microcephaly 5

Genome-Nilou Lab
Classification: Pathogenic for Microcephaly 5, primary, autosomal recessive. Last evaluated: 2023-04-11. Review status: criteria provided, single submitter. Criteria: ACMG Guidelines, 2015. Collection method: clinical testing. Allele origin: germline. Affected: no.

GeneDx
Classification: Pathogenic. Last evaluated: 2022-11-12. Review status: criteria provided, single submitter. Criteria: GeneDx Variant Classification Process June 2021. Collection method: clinical testing. Allele origin: germline. Affected: yes.
Comment: Previously reported with a second ASPM variant in an individual with primary microcephaly (Tan et al., 2014); Frameshift variant predicted to result in protein truncation or nonsense mediated decay in a gene for which loss-of-function is a known mechanism of disease; Not observed at significant frequency in large population cohorts (gnomAD); This variant is associated with the following publications: (PMID: 19028728, 20301772, 23611254)

Labcorp Genetics (formerly Invitae), Labcorp
Classification: Pathogenic. Last evaluated: 2019-05-15. Review status: criteria provided, single submitter. Criteria: Invitae Variant Classification Sherloc (09022015). Collection method: clinical testing. Allele origin: germline.
Comment: This sequence change creates a premature translational stop signal (p.Arg1576Serfs*7) in the ASPM gene. It is expected to result in an absent or disrupted protein product. This variant is present in population databases (rs587783245, ExAC 0.02%). For these reasons, this variant has been classified as Pathogenic. Loss-of-function variants in ASPM are known to be pathogenic (PMID: 19028728, 23611254). This variant has been observed in an individual affected with primary microcephaly (PMID: 23611254). ClinVar contains an entry for this variant (Variation ID: 157824).

Genetic Services Laboratory, University of Chicago
Classification: Pathogenic for Microcephaly 5, primary, autosomal recessive. Last evaluated: 2013-02-08. Review status: criteria provided, single submitter. Criteria: ACMG Guidelines, 2007. Collection method: clinical testing. Allele origin: germline. Inheritance: Autosomal recessive inheritance. Affected: yes.

Juno Genomics, Hangzhou Juno Genomics, Inc
Classification: Pathogenic for Microcephaly 5, primary, autosomal recessive. Review status: criteria provided, single submitter. Criteria: ACMG Guidelines, 2015. Collection method: clinical testing. Allele origin: germline.
Comment: Absent from controls (or at extremely low frequency if recessive) in Genome Aggregation Database.;Null variant in a gene where loss of function (LOF) is a known mechanism of disease.;For recessive disorders, detected in trans with a pathogenic variant.;Patient's phenotype or family history is highly specific for a disease with a single genetic etiology.

Literature cited by the submitters: PubMed 23611254 (cited by 3 submitters); PubMed 19028728 (cited by Variantyx, Inc. and Labcorp Genetics (formerly Invitae), Labcorp).